The following is an entry in ClinVar:

ClinVar aggregate classification (germline): Uncertain significance (1 of 4 stars; one submission).

Submission:

GeneDx
Classification: Uncertain significance. Last evaluated: 2025-06-10. Review status: criteria provided, single submitter. Criteria: GeneDx Variant Classification Process June 2021. Collection method: clinical testing. Allele origin: germline. Affected: yes.
Comment: Not observed at significant frequency in large population cohorts (gnomAD); In silico analysis suggests that this missense variant does not alter protein structure/function; Has not been previously published as pathogenic or benign to our knowledge

NM_001829.4(CLCN3):c.2029G>A (p.Val677Met)

Gene: CLCN3 (chloride voltage-gated channel 3; plus strand). Cytogenetic location: 4q33.
Variant type: single nucleotide variant.
Coding change: c.2029G>A on transcript NM_001829.4 (MANE Select); coding-DNA position 2029, G replaced by A.
Protein change: p.Val677Met; replaces valine 677 with methionine.
Molecular consequence: missense variant.
Genome position (GRCh38, 1-based): chr4:169,707,146, G>A. VCF-style: chr4-169707146-G-A. GRCh37 (hg19) VCF-style: chr4-170628297-G-A.
Other names: c.2029G>A, p.Val677Met (NM_173872.4); c.1948G>A, p.Val650Met (NM_001243372.2, NM_001243374.2); short protein forms V650M, V677M.
Identifiers: ClinVar variation 4538158 (VCV004538158.1).